The following is an entry in ClinVar:

ClinVar aggregate classification (germline): Pathogenic (1 of 4 stars; one submission).

Conditions:
Baller-Gerold syndrome (BGS). Also called: CRANIOSYNOSTOSIS WITH RADIAL DEFECTS. Identifiers: Orphanet 1225, MedGen C0265308, MONDO:0009039, OMIM 218600.

Submission:

Labcorp Genetics (formerly Invitae), Labcorp
Classification: Pathogenic for Baller-Gerold syndrome. Last evaluated: 2022-02-25. Review status: criteria provided, single submitter. Criteria: Invitae Variant Classification Sherloc (09022015). Collection method: clinical testing. Allele origin: germline.
Comment: For these reasons, this variant has been classified as Pathogenic. This variant has not been reported in the literature in individuals affected with RECQL4-related conditions. This variant is not present in population databases (gnomAD no frequency). This sequence change creates a premature translational stop signal (p.Gln218Thrfs*6) in the RECQL4 gene. It is expected to result in an absent or disrupted protein product. Loss-of-function variants in RECQL4 are known to be pathogenic (PMID: 12734318, 12952869).

Literature cited by the submitters: PubMed 12734318; PubMed 12952869.

NM_004260.4(RECQL4):c.652_653del (p.Gln218fs)

Gene: RECQL4 (RecQ like helicase 4; minus strand). Cytogenetic location: 8q24.3.
Variant type: Microsatellite.
Coding change: c.652_653del on transcript NM_004260.4 (MANE Select); coding-DNA positions 652 to 653, 2 bases deleted (CA; older notation c.652_653delCA).
Protein change: p.Gln218fs; shifts the reading frame from glutamine 218.
Molecular consequence: frameshift variant.
Genome position (GRCh38, 1-based): chr8:144,516,466-144,516,467, TG deleted on the plus strand (CA on the coding strand, the reverse complement: RECQL4 is on the minus strand); deleting any 2 consecutive bases within chr8:144,516,466-144,516,469 gives the same sequence; the c. name uses the placement nearest the transcript's 3' end. VCF-style (leftmost placement, unchanged base first): chr8-144516465-TTG-T. GRCh37 (hg19) VCF-style: chr8-145741849-TTG-T.
Other names: short protein forms Q218fs.
Identifiers: ClinVar variation 1068625 (VCV001068625.5), dbSNP rs745627867, ClinGen allele CA4949221.